The following is an entry in ClinVar:

NM_004369.4(COL6A3):c.5951G>A (p.Arg1984Gln)

Gene: COL6A3 (collagen type VI alpha 3 chain; minus strand). Cytogenetic location: 2q37.3.
Variant type: single nucleotide variant.
Coding change: c.5951G>A on transcript NM_004369.4 (MANE Select); coding-DNA position 5951, G replaced by A.
Protein change: p.Arg1984Gln; replaces arginine 1984 with glutamine.
Molecular consequence: missense variant.
Genome position (GRCh38, 1-based): chr2:237,363,365, C>T on the plus strand (G>A on the coding strand, the complement: COL6A3 is on the minus strand). VCF-style: chr2-237363365-C-T. GRCh37 (hg19) VCF-style: chr2-238272008-C-T.
Other names: c.4130G>A, p.Arg1377Gln (NM_057166.5); c.5333G>A, p.Arg1778Gln (NM_057167.4); short protein forms R1377Q, R1778Q, R1984Q.
Identifiers: ClinVar variation 1305110 (VCV001305110.7), dbSNP rs1362987398, ClinGen allele CA351219160.

ClinVar aggregate classification (germline): Uncertain significance. Review status: criteria provided, multiple submitters, no conflicts (2 of 4 stars). 3 submissions from 3 submitters: Uncertain significance (3). Last evaluated 2023-04-24.

Conditions:
Bethlem myopathy 1A. Also called: Bethlem myopathy 1; MYOPATHY, BENIGN CONGENITAL, WITH CONTRACTURES; Bethlem Muscular Dystrophy. Identifiers: Orphanet 610, MedGen CN029274, MONDO:0024530, OMIM 158810.

Allele frequency attached by ClinVar (database versions not stated): gnomAD exomes below 0.00001; TOPMed below 0.00001.
gnomAD v4.1: 1 of 1,614,140 alleles (0.000062%); highest among the groups gnomAD compares: Non-Finnish European, 0.000085%; no homozygotes.

Submissions (3):

Labcorp Genetics (formerly Invitae), Labcorp
Classification: Uncertain significance for Bethlem myopathy 1A. Last evaluated: 2023-04-24. Review status: criteria provided, single submitter. Criteria: Invitae Variant Classification Sherloc (09022015). Collection method: clinical testing. Allele origin: germline.
Comment: ClinVar contains an entry for this variant (Variation ID: 1305110). This variant has not been reported in the literature in individuals affected with COL6A3-related conditions. This variant is not present in population databases (gnomAD no frequency). This sequence change replaces arginine, which is basic and polar, with glutamine, which is neutral and polar, at codon 1984 of the COL6A3 protein (p.Arg1984Gln). In summary, the available evidence is currently insufficient to determine the role of this variant in disease. Therefore, it has been classified as a Variant of Uncertain Significance. Advanced modeling of protein sequence and biophysical properties (such as structural, functional, and spatial information, amino acid conservation, physicochemical variation, residue mobility, and thermodynamic stability) performed at Invitae indicates that this missense variant is not expected to disrupt COL6A3 protein function.

Revvity Omics, Revvity
Classification: Uncertain significance. Last evaluated: 2022-09-06. Review status: criteria provided, single submitter. Criteria: ACMG Guidelines, 2015. Collection method: clinical testing. Allele origin: germline.

GeneDx
Classification: Uncertain significance. Last evaluated: 2019-04-09. Review status: criteria provided, single submitter. Criteria: GeneDx Variant Classification Process June 2021. Collection method: clinical testing. Allele origin: germline. Affected: yes.
Comment: Not observed in large population cohorts (Lek et al., 2016); In silico analysis, which includes protein predictors and evolutionary conservation, supports that this variant does not alter protein structure/function; Has not been previously published as pathogenic or benign to our knowledge